The following is an entry in ClinVar:

ClinVar aggregate classification (germline): Uncertain significance. Review status: criteria provided, multiple submitters, no conflicts (2 of 4 stars). 3 submissions from 3 submitters: Uncertain significance (3). Last evaluated 2025-08-18.

Conditions:
Hereditary pheochromocytoma and paraganglioma. Also called: Hereditary pheochromocytoma-paraganglioma; Hereditary paragangliomas and pheochromocytomas; Hereditary Paraganglioma-Pheochromocytoma Syndromes. Identifiers: Orphanet 29072, MedGen C4274332, MONDO:0017366.
Hereditary cancer-predisposing syndrome. Also called: Hereditary Cancer Syndrome; Tumor predisposition; Neoplastic Syndromes, Hereditary; Hereditary neoplastic syndrome. Identifiers: Orphanet 140162, MedGen C0027672, MeSH D009386, MONDO:0015356.

Allele frequency attached by ClinVar (database versions not stated): gnomAD exomes below 0.00001 and 0.00001; TOPMed below 0.00001; ExAC 0.00001; gnomAD 0.00001.
gnomAD v4.1: 6 of 1,613,230 alleles (0.00037%); highest among the groups gnomAD compares: East Asian, 0.013%; no homozygotes.

Submissions (3):

Labcorp Genetics (formerly Invitae), Labcorp
Classification: Uncertain significance for Hereditary pheochromocytoma and paraganglioma. Last evaluated: 2025-08-18. Review status: criteria provided, single submitter. Criteria: Invitae Variant Classification Sherloc (09022015). Collection method: clinical testing. Allele origin: germline.
Comment: This sequence change replaces alanine, which is neutral and non-polar, with threonine, which is neutral and polar, at codon 159 of the MAX protein (p.Ala159Thr). This variant is present in population databases (rs779958074, gnomAD 0.02%). This variant has not been reported in the literature in individuals affected with MAX-related conditions. ClinVar contains an entry for this variant (Variation ID: 825151). An algorithm developed to predict the effect of missense changes on protein structure and function (PolyPhen-2) suggests that this variant is likely to be tolerated. In summary, the available evidence is currently insufficient to determine the role of this variant in disease. Therefore, it has been classified as a Variant of Uncertain Significance.

Ambry Genetics
Classification: Uncertain significance for Hereditary cancer-predisposing syndrome. Last evaluated: 2025-02-27. Review status: criteria provided, single submitter. Criteria: Ambry Variant Classification Scheme 2023. Collection method: clinical testing. Allele origin: germline.
Comment: The p.A159T variant (also known as c.475G>A), located in coding exon 5 of the MAX gene, results from a G to A substitution at nucleotide position 475. The alanine at codon 159 is replaced by threonine, an amino acid with similar properties. This amino acid position is well conserved in available vertebrate species. In addition, the in silico prediction for this alteration is inconclusive. Since supporting evidence is limited at this time, the clinical significance of this alteration remains unclear.

GeneDx
Classification: Uncertain significance. Last evaluated: 2024-05-07. Review status: criteria provided, single submitter. Criteria: GeneDx Variant Classification Process June 2021. Collection method: clinical testing. Allele origin: germline. Affected: yes.
Comment: Not observed at significant frequency in large population cohorts (gnomAD); In silico analysis supports that this missense variant has a deleterious effect on protein structure/function; Has not been previously published as pathogenic or benign to our knowledge; This variant is associated with the following publications: (PMID: 1730412)

NM_002382.5(MAX):c.475G>A (p.Ala159Thr)

Gene: MAX (MYC associated transcriptional regulator X; minus strand). Cytogenetic location: 14q23.3.
Variant type: single nucleotide variant.
Coding change: c.475G>A on transcript NM_002382.5 (MANE Select); coding-DNA position 475, G replaced by A.
Protein change: p.Ala159Thr; replaces alanine 159 with threonine.
Molecular consequence: missense variant. On other transcripts: 3 prime UTR variant (1), intron variant (2).
Genome position (GRCh38, 1-based): chr14:65,076,484, C>T on the plus strand (G>A on the coding strand, the complement: MAX is on the minus strand). VCF-style: chr14-65076484-C-T. GRCh37 (hg19) VCF-style: chr14-65543202-C-T.
Other names: c.286G>A, p.Ala96Thr (NM_001320415.2, NM_001407105.1, NM_001407106.1 and 1 more transcripts); c.475G>A, p.Ala159Thr (NM_001407094.1); c.448G>A, p.Ala150Thr (NM_001407095.1, NM_145112.3); c.*248G>A (NM_001407096.1, NM_001407099.1, NM_001407102.1 and 2 more transcripts); c.*264G>A (NM_001407097.1, NM_001407100.1, NM_001407101.1 and 4 more transcripts); c.367G>A, p.Ala123Thr (NM_001407098.1); c.274G>A, p.Ala92Thr (NM_001407111.1, NM_001407112.1); c.144+17224G>A (NM_001271069.2); and 1 more; short protein forms A96T, A159T, A150T, A92T, A123T.
Identifiers: ClinVar variation 825151 (VCV000825151.13), dbSNP rs779958074, ClinGen allele CA7232783.
Genomic context (GRCh38, chr14:65,076,484, plus strand): 5'-GGATGAGACGATGGAGACAGACAGTTTTTATTGCTGGCCTGCCCCGAGTGGCTTAGCTGG[C>T]CTCCATCCGGAGCTTCTTCCTGCTTTGGGGCTCTTCAGGCTCAGACTCCGAGCTGGAGTC-3'
Protein context (NP_002373.3, residues 149-160): PQSRKKLRME[Ala159Thr]S